The following is an entry in ClinVar:

NM_001384140.1(PCDH15):c.*14A>G

Gene: PCDH15 (protocadherin related 15; minus strand). Cytogenetic location: 10q21.1.
Variant type: single nucleotide variant.
Coding change: c.*14A>G on transcript NM_001384140.1 (MANE Select); 14 bases downstream of the stop codon, A replaced by G.
Molecular consequence: 3 prime UTR variant.
Genome position (GRCh38, 1-based): chr10:53,806,565, T>C on the plus strand (A>G on the coding strand, the complement: PCDH15 is on the minus strand). VCF-style: chr10-53806565-T-C. GRCh37 (hg19) VCF-style: chr10-55566325-T-C.
Other names: c.*14A>G (NM_001142771.2, NM_001142772.2, NM_001354420.2 and 1 more transcripts).
Identifiers: ClinVar variation 229130 (VCV000229130.5), dbSNP rs876657950, ClinGen allele CA10576789.

ClinVar aggregate classification (germline): Uncertain significance (1 of 4 stars; one submission).

Allele frequency attached by ClinVar (database versions not stated): gnomAD exomes below 0.00001; TOPMed below 0.00001.
gnomAD v4.1: 2 of 1,553,498 alleles (0.00013%); highest among the groups gnomAD compares: Non-Finnish European, 0.00017%; no homozygotes.

Submission:

Laboratory for Molecular Medicine, Mass General Brigham Personalized Medicine
Classification: Uncertain significance. Last evaluated: 2015-08-05. Review status: criteria provided, single submitter. Criteria: LMM Criteria. Collection method: clinical testing. Allele origin: germline. Observed: 1 variant allele.
Comment: Outside ROI